The following is an entry in ClinVar:

ClinVar aggregate classification (germline): Uncertain significance (1 of 4 stars; one submission).

gnomAD v4.1: 1 of 1,613,522 alleles (0.000062%); highest among the groups gnomAD compares: African/African-American, 0.0013%; no homozygotes.

Submission:

Labcorp Genetics (formerly Invitae), Labcorp
Classification: Uncertain significance. Last evaluated: 2024-11-03. Review status: criteria provided, single submitter. Criteria: Invitae Variant Classification Sherloc (09022015). Collection method: clinical testing. Allele origin: germline.
Comment: This sequence change replaces serine, which is neutral and polar, with cysteine, which is neutral and slightly polar, at codon 322 of the PROM1 protein (p.Ser322Cys). This variant is not present in population databases (gnomAD no frequency). This variant has not been reported in the literature in individuals affected with PROM1-related conditions. Invitae Evidence Modeling of protein sequence and biophysical properties (such as structural, functional, and spatial information, amino acid conservation, physicochemical variation, residue mobility, and thermodynamic stability) indicates that this missense variant is expected to disrupt PROM1 protein function with a positive predictive value of 80%. In summary, the available evidence is currently insufficient to determine the role of this variant in disease. Therefore, it has been classified as a Variant of Uncertain Significance.

NM_006017.3(PROM1):c.965C>G (p.Ser322Cys)

Gene: PROM1 (prominin 1; minus strand). Cytogenetic location: 4p15.32.
Variant type: single nucleotide variant.
Coding change: c.965C>G on transcript NM_006017.3 (MANE Select); coding-DNA position 965, C replaced by G.
Protein change: p.Ser322Cys; replaces serine 322 with cysteine.
Molecular consequence: missense variant.
Genome position (GRCh38, 1-based): chr4:16,018,360, G>C on the plus strand (C>G on the coding strand, the complement: PROM1 is on the minus strand). VCF-style: chr4-16018360-G-C. GRCh37 (hg19) VCF-style: chr4-16019983-G-C.
Other names: c.938C>G, p.Ser313Cys (NM_001145847.2, NM_001145848.2, NM_001145851.2 and 4 more transcripts); c.965C>G, p.Ser322Cys (NM_001145849.2, NM_001145850.2); short protein forms S313C, S322C.
Identifiers: ClinVar variation 3667740 (VCV003667740.2).